The following is an entry in ClinVar:

NM_006005.3(WFS1):c.1123C>A (p.Arg375Ser)

Gene: WFS1 (wolframin ER transmembrane glycoprotein; plus strand). Cytogenetic location: 4p16.1.
Variant type: single nucleotide variant.
Coding change: c.1123C>A on transcript NM_006005.3 (MANE Select); coding-DNA position 1123, C replaced by A.
Protein change: p.Arg375Ser; replaces arginine 375 with serine.
Molecular consequence: missense variant.
Genome position (GRCh38, 1-based): chr4:6,300,918, C>A. VCF-style: chr4-6300918-C-A. GRCh37 (hg19) VCF-style: chr4-6302645-C-A.
Other names: c.1123C>A, p.Arg375Ser (NM_001145853.1); short protein forms R375S.
Identifiers: ClinVar variation 4744072 (VCV004744072.2).

ClinVar aggregate classification (germline): Uncertain significance. Review status: criteria provided, multiple submitters, no conflicts (2 of 4 stars). 2 submissions from 2 submitters: Uncertain significance (2). Last evaluated 2026-01-12.

gnomAD v4.1: 13 of 1,614,030 alleles (0.00081%); highest among the groups gnomAD compares: Non-Finnish European, 0.0011%; no homozygotes.

Submissions (2):

Labcorp Genetics (formerly Invitae), Labcorp
Classification: Uncertain significance. Last evaluated: 2026-01-12. Review status: criteria provided, single submitter. Criteria: Invitae Variant Classification Sherloc (09022015). Collection method: clinical testing. Allele origin: germline.
Comment: This sequence change replaces arginine, which is basic and polar, with serine, which is neutral and polar, at codon 375 of the WFS1 protein (p.Arg375Ser). This variant is present in population databases (rs200095753, gnomAD 0.007%). This variant has not been reported in the literature in individuals affected with WFS1-related conditions. Invitae Evidence Modeling of protein sequence and biophysical properties (such as structural, functional, and spatial information, amino acid conservation, physicochemical variation, residue mobility, and thermodynamic stability) has been performed for this missense variant. However, the output from this modeling did not meet the statistical confidence thresholds required to predict the impact of this variant on WFS1 protein function. In summary, the available evidence is currently insufficient to determine the role of this variant in disease. Therefore, it has been classified as a Variant of Uncertain Significance.

Blueprint Genetics
Classification: Uncertain significance. Last evaluated: 2019-02-16. Review status: criteria provided, single submitter. Criteria: ACMG Guidelines, 2015. Collection method: clinical testing. Allele origin: germline.